The following is an entry in ClinVar:

NM_001005242.3(PKP2):c.14G>A (p.Gly5Asp)

Gene: PKP2 (plakophilin 2; minus strand). Cytogenetic location: 12p11.21.
Variant type: single nucleotide variant.
Coding change: c.14G>A on transcript NM_001005242.3 (MANE Select); coding-DNA position 14, G replaced by A.
Protein change: p.Gly5Asp; replaces glycine 5 with aspartic acid.
Molecular consequence: missense variant.
Genome position (GRCh38, 1-based): chr12:32,896,718, C>T on the plus strand (G>A on the coding strand, the complement: PKP2 is on the minus strand). VCF-style: chr12-32896718-C-T. GRCh37 (hg19) VCF-style: chr12-33049652-C-T.
Other names: p.G5D:GGC>GAC; c.14G>A, p.Gly5Asp (NM_004572.4); short protein forms G5D.
Identifiers: ClinVar variation 201991 (VCV000201991.26), dbSNP rs774778142, ClinGen allele CA011103.

ClinVar aggregate classification (germline): Uncertain significance. Review status: criteria provided, multiple submitters, no conflicts (2 of 4 stars). 10 submissions from 10 submitters: Uncertain significance (8). 2 of the submissions do not count toward it. Last evaluated 2025-07-13.

Conditions:
Cardiovascular phenotype. Identifiers: MedGen CN230736.
Arrhythmogenic right ventricular cardiomyopathy (ARVD). Also called: Arrhythmogenic cardiomyopathy; Arrhythmogenic Right Ventricular Cardiomyopathy (ARVC); Cardiomyopathy, ARVC; Arrhythmogenic right ventricular dysplasia. Identifiers: Orphanet 247, MedGen C0349788, MeSH D019571, MONDO:0016587. Disease mechanism: loss of function. Inheritance: Various modes of inheritance.
Cardiomyopathy (CMYO). Also called: Cardiomyopathies. Identifiers: Orphanet 167848, MedGen C0878544, MONDO:0004994, HP:0001638. Inheritance: Various modes of inheritance.
Arrhythmogenic right ventricular dysplasia 9 (ARVD9). Also called: Arrhythmogenic Right Ventricular Dysplasia/Cardiomyopathy 9; ARRHYTHMOGENIC RIGHT VENTRICULAR DYSPLASIA, FAMILIAL, 9. Identifiers: MedGen C1836906, MONDO:0012180, OMIM 609040.

Allele frequency attached by ClinVar (database versions not stated): gnomAD 0.00001; TOPMed 0.00001; gnomAD exomes 0.00002 and 0.00004; ExAC 0.00024.
gnomAD v4.1: 32 of 1,469,536 alleles (0.0022%); highest among the groups gnomAD compares: Middle Eastern, 0.024%; no homozygotes.

Submissions (10):

Labcorp Genetics (formerly Invitae), Labcorp
Classification: Uncertain significance for Arrhythmogenic right ventricular dysplasia 9. Last evaluated: 2025-07-13. Review status: criteria provided, single submitter. Criteria: Invitae Variant Classification Sherloc (09022015). Collection method: clinical testing. Allele origin: germline.
Comment: This sequence change replaces glycine, which is neutral and non-polar, with aspartic acid, which is acidic and polar, at codon 5 of the PKP2 protein (p.Gly5Asp). This variant is present in population databases (rs774778142, gnomAD 0.01%). This missense change has been observed in individual(s) with clinical features of PKP2-related conditions (PMID: 25447171). ClinVar contains an entry for this variant (Variation ID: 201991). An algorithm developed to predict the effect of missense changes on protein structure and function (PolyPhen-2) suggests that this variant is likely to be tolerated. In summary, the available evidence is currently insufficient to determine the role of this variant in disease. Therefore, it has been classified as a Variant of Uncertain Significance.

All of Us Research Program, National Institutes of Health
Classification: Uncertain significance for Arrhythmogenic right ventricular cardiomyopathy. Last evaluated: 2024-08-13. Review status: criteria provided, single submitter. Criteria: ACMG Guidelines, 2015. Collection method: clinical testing. Allele origin: germline. Inheritance: Autosomal dominant inheritance. Observed: 16 variant alleles, 16 heterozygotes.
Comment: This missense variant replaces glycine with aspartic acid at codon 5 of the PKP2 protein. Computational prediction suggests that this variant may not impact protein structure and function (internally defined REVEL score threshold <= 0.5, PMID: 27666373). To our knowledge, functional studies have not been reported for this variant. This variant has been reported in individuals affected with sudden death (PMID: 25447171), sick sinus syndrome, and Brugada syndrome (PMID: 30847666). This variant has been identified in 3/82764 chromosomes in the general population by the Genome Aggregation Database (gnomAD). The available evidence is insufficient to determine the role of this variant in disease conclusively. Therefore, this variant is classified as a Variant of Uncertain Significance.

This study involves interpretation of variants in research participants for the purpose of population health screening. Participant phenotype was not available at the time of variant classification. Additional details can be found in publication PMID: 35346344, PMCID: PMC8962531

Ambry Genetics
Classification: Uncertain significance for Cardiovascular phenotype. Last evaluated: 2024-04-26. Review status: criteria provided, single submitter. Criteria: Ambry Variant Classification Scheme 2023. Collection method: clinical testing. Allele origin: germline.
Comment: The p.G5D variant (also known as c.14G>A), located in coding exon 1 of the PKP2 gene, results from a G to A substitution at nucleotide position 14. The glycine at codon 5 is replaced by aspartic acid, an amino acid with similar properties. This alteration has been reported in arrhythmia cohorts and a sudden unexplained death cohort (Campuzano O et al. Forensic Sci Int, 2014 Dec;245:30-7; Le Scouarnec S et al. Hum Mol Genet, 2015 May;24:2757-63; van Lint FHM et al. Neth Heart J, 2019 Jun;27:304-309). This amino acid position is well conserved in available vertebrate species. In addition, this alteration is predicted to be tolerated by in silico analysis. Based on the available evidence, the clinical significance of this variant remains unclear.

Color Diagnostics, LLC DBA Color Health
Classification: Uncertain significance for Cardiomyopathy. Last evaluated: 2024-03-07. Review status: criteria provided, single submitter. Criteria: ACMG Guidelines, 2015. Collection method: clinical testing. Allele origin: germline.
Comment: This missense variant replaces glycine with aspartic acid at codon 5 of the PKP2 protein. Computational prediction suggests that this variant may not impact protein structure and function (internally defined REVEL score threshold <= 0.5, PMID: 27666373). To our knowledge, functional studies have not been reported for this variant. This variant has been reported in individuals affected with sudden death (PMID: 25447171), sick sinus syndrome, and Brugada syndrome (PMID: 30847666). This variant has been identified in 3/82764 chromosomes in the general population by the Genome Aggregation Database (gnomAD). The available evidence is insufficient to determine the role of this variant in disease conclusively. Therefore, this variant is classified as a Variant of Uncertain Significance.

GeneDx
Classification: Uncertain significance. Last evaluated: 2023-03-24. Review status: criteria provided, single submitter. Criteria: GeneDx Variant Classification Process June 2021. Collection method: clinical testing. Allele origin: germline. Affected: yes.
Comment: Identified in a patient with sudden cardiac death (SCD) (Campuzo et al., 2014) and a patient with sick sinus syndrome (SSS) in published literature (van Lint et al., 2019); both patients harbored additional cardiogenetic variants; In silico analysis supports that this missense variant does not alter protein structure/function; This variant is associated with the following publications: (PMID: 30847666, 25447171)

Blueprint Genetics
Classification: Uncertain significance. Last evaluated: 2022-12-07. Review status: criteria provided, single submitter. Criteria: ACMG Guidelines, 2015. Collection method: clinical testing. Allele origin: germline.

Clinical Genetics Laboratory, Skane University Hospital Lund
Classification: Uncertain significance. Last evaluated: 2022-05-27. Review status: criteria provided, single submitter. Criteria: ACMG Guidelines, 2015. Collection method: clinical testing. Allele origin: germline. Affected: yes.

Breakthrough Genomics
Classification: Uncertain significance. Review status: criteria provided, single submitter. Criteria: ACMG Guidelines, 2015. Collection method: not provided. Allele origin: germline. Inheritance: Autosomal dominant inheritance. Affected: yes.

Clinical Genetics, Academic Medical Center
Classification: Uncertain significance. Review status: no assertion criteria provided. Collection method: clinical testing. Allele origin: germline. Affected: yes. Study: VKGL Data-share Consensus. Not counted in ClinVar's aggregate classification.

Joint Genome Diagnostic Labs from Nijmegen and Maastricht, Radboudumc and MUMC+
Classification: Uncertain significance. Review status: no assertion criteria provided. Collection method: clinical testing. Allele origin: germline. Affected: yes. Study: VKGL Data-share Consensus. Not counted in ClinVar's aggregate classification.

Literature cited by the submitters: PubMed 25447171 (cited by 4 submitters); PubMed 30847666 (cited by 3 submitters); PubMed 25650408 (cited by Ambry Genetics).